The following is an entry in ClinVar:

NM_152564.5(VPS13B):c.10808C>G (p.Ala3603Gly)

Gene: VPS13B (vacuolar protein sorting 13 homolog B; plus strand). Cytogenetic location: 8q22.2.
Variant type: single nucleotide variant.
Coding change: c.10808C>G on transcript NM_152564.5 (MANE Select); coding-DNA position 10808, C replaced by G.
Protein change: p.Ala3603Gly; replaces alanine 3603 with glycine.
Molecular consequence: missense variant.
Genome position (GRCh38, 1-based): chr8:99,854,197, C>G. VCF-style: chr8-99854197-C-G. GRCh37 (hg19) VCF-style: chr8-100866425-C-G.
Other names: c.10883C>G, p.Ala3628Gly (NM_017890.5); short protein forms A3603G, A3628G.
Identifiers: ClinVar variation 2073180 (VCV002073180.4), dbSNP rs762394387, ClinGen allele CA371786198.

ClinVar aggregate classification (germline): Uncertain significance (1 of 4 stars; one submission).

Conditions:
Cohen syndrome (COH1). Also called: Cutis verticis gyrata, retinitis pigmentosa, and sensorineural deafness; PEPPER SYNDROME. Identifiers: Orphanet 193, MedGen C0265223, MONDO:0008999, OMIM 216550.

Submission:

Labcorp Genetics (formerly Invitae), Labcorp
Classification: Uncertain significance for Cohen syndrome. Last evaluated: 2022-01-03. Review status: criteria provided, single submitter. Criteria: Invitae Variant Classification Sherloc (09022015). Collection method: clinical testing. Allele origin: germline.
Comment: In summary, the available evidence is currently insufficient to determine the role of this variant in disease. Therefore, it has been classified as a Variant of Uncertain Significance. Algorithms developed to predict the effect of missense changes on protein structure and function are either unavailable or do not agree on the potential impact of this missense change (SIFT: "Not Available"; PolyPhen-2: "Possibly Damaging"; Align-GVGD: "Not Available"). This variant has not been reported in the literature in individuals affected with VPS13B-related conditions. This variant is not present in population databases (gnomAD no frequency). This sequence change replaces alanine, which is neutral and non-polar, with glycine, which is neutral and non-polar, at codon 3628 of the VPS13B protein (p.Ala3628Gly).